The following is an entry in ClinVar:

NM_000860.6(HPGD):c.634G>A (p.Asp212Asn)

Gene: HPGD (15-hydroxyprostaglandin dehydrogenase; minus strand). Cytogenetic location: 4q34.1.
Variant type: single nucleotide variant.
Coding change: c.634G>A on transcript NM_000860.6 (MANE Select); coding-DNA position 634, G replaced by A.
Protein change: p.Asp212Asn; replaces aspartic acid 212 with asparagine.
Molecular consequence: missense variant. On other transcripts: intron variant (2).
Genome position (GRCh38, 1-based): chr4:174,493,179, C>T on the plus strand (G>A on the coding strand, the complement: HPGD is on the minus strand). VCF-style: chr4-174493179-C-T. GRCh37 (hg19) VCF-style: chr4-175414330-C-T.
Other names: c.271G>A, p.Asp91Asn (NM_001256301.1, NM_001256307.2); c.430G>A, p.Asp144Asn (NM_001256306.2); c.422-1085G>A (NM_001256305.2); c.499-1085G>A (NM_001145816.3); short protein forms D91N, D144N, D212N.
Identifiers: ClinVar variation 776029 (VCV000776029.38), dbSNP rs148874494, ClinGen allele CA3142203.
Genomic context (GRCh38, chr4:174,493,179, plus strand): 5'-ATTTAAAAGAAAATAGACATAGTTTTACTTACTCCAAAATTCCATAGTATTTAATCATAT[C>T]CTTGATATGATCCTTATATTCTATATATTGTCCCATGTTTTCTTCTTTTTCAATTGATTC-3'
Protein context (NP_000851.2, residues 202-222): QYIEYKDHIK[Asp212Asn]MIKYYGILDP

ClinVar aggregate classification (germline): Benign/Likely benign. Review status: criteria provided, multiple submitters, no conflicts (2 of 4 stars). 6 submissions from 5 submitters: Benign (5); Likely benign (1). Last evaluated 2026-07-01.

Conditions:
Isolated congenital digital clubbing. Also called: ACROPACHY, HEREDITARY; CLUBBING OF DIGITS. Identifiers: Orphanet 217059, MedGen C0345408, MONDO:0007343, OMIM 119900.
Hypertrophic osteoarthropathy, primary, autosomal recessive, 1 (PHOAR1). Also called: PHO, AUTOSOMAL RECESSIVE. Identifiers: Orphanet 1525, Orphanet 2796, MedGen C4551679, MONDO:0024546, OMIM 259100.

Allele frequency attached by ClinVar (database versions not stated): 1000 Genomes Project 0.00339; 1000 Genomes Project 30x 0.00359; gnomAD 0.00475; TOPMed 0.00597; ESP Exome Variant Server 0.00608.
gnomAD v4.1: 12,134 of 1,601,390 alleles (0.76%); highest among the groups gnomAD compares: Non-Finnish European, 0.93%; 61 homozygotes.

Submissions (6):

CeGaT Center for Human Genetics Tuebingen
Classification: Likely benign. Last evaluated: 2026-07-01. Review status: criteria provided, single submitter. Criteria: CeGaT Center For Human Genetics Tuebingen Variant Classification Criteria Version 2. Collection method: clinical testing. Allele origin: germline. Affected: yes. Observed: 3 variant alleles.
Comment: HPGD: BP4, BS2

Labcorp Genetics (formerly Invitae), Labcorp
Classification: Benign. Last evaluated: 2026-01-22. Review status: criteria provided, single submitter. Criteria: Invitae Variant Classification Sherloc (09022015). Collection method: clinical testing. Allele origin: germline.

Fulgent Genetics
Classification: Benign for Isolated congenital digital clubbing; Hypertrophic osteoarthropathy, primary, autosomal recessive, 1. Last evaluated: 2022-02-07. Review status: criteria provided, single submitter. Criteria: ACMG Guidelines, 2015. Collection method: clinical testing. Allele origin: unknown.

Illumina Laboratory Services, Illumina
Classification: Benign for Isolated congenital digital clubbing. Last evaluated: 2018-01-13. Review status: criteria provided, single submitter. Criteria: ICSL Variant Classification Criteria 13 December 2019. Collection method: clinical testing. Allele origin: germline.
Comment: This variant was observed in the ICSL laboratory as part of a predisposition screen in an ostensibly healthy population. It had not been previously curated by ICSL or reported in the Human Gene Mutation Database (HGMD: prior to June 1st, 2018), and was therefore a candidate for classification through an automated scoring system. Utilizing variant allele frequency, disease prevalence and penetrance estimates, and inheritance mode, an automated score was calculated to assess if this variant is too frequent to cause the disease. Based on the score and internal cut-off values, a variant classified as benign is not then subjected to further curation. The score for this variant resulted in a classification of benign for this disease.

Illumina Laboratory Services, Illumina
Classification: Benign for Hypertrophic osteoarthropathy, primary, autosomal recessive, 1. Last evaluated: 2018-01-13. Review status: criteria provided, single submitter. Criteria: ICSL Variant Classification Criteria 13 December 2019. Collection method: clinical testing. Allele origin: germline.
Comment: the same text as in the submission from Illumina Laboratory Services, Illumina above.

Breakthrough Genomics
Classification: Benign. Review status: criteria provided, single submitter. Criteria: ACMG Guidelines, 2015. Collection method: not provided. Allele origin: germline. Inheritance: Autosomal recessive inheritance. Affected: yes.